The following is an entry in ClinVar:

NM_018965.4(TREM2):c.200A>G (p.His67Arg)

Gene: TREM2 (triggering receptor expressed on myeloid cells 2; minus strand). Cytogenetic location: 6p21.1.
Variant type: single nucleotide variant.
Coding change: c.200A>G on transcript NM_018965.4 (MANE Select); coding-DNA position 200, A replaced by G.
Protein change: p.His67Arg; replaces histidine 67 with arginine.
Molecular consequence: missense variant.
Genome position (GRCh38, 1-based): chr6:41,161,454, T>C on the plus strand (A>G on the coding strand, the complement: TREM2 is on the minus strand). VCF-style: chr6-41161454-T-C. GRCh37 (hg19) VCF-style: chr6-41129192-T-C.
Other names: c.200A>G, p.His67Arg (NM_001271821.2); short protein forms H67R.
Identifiers: ClinVar variation 2090028 (VCV002090028.4), dbSNP rs2532388423, ClinGen allele CA364059038.

ClinVar aggregate classification (germline): Uncertain significance (1 of 4 stars; one submission).

Submission:

Labcorp Genetics (formerly Invitae), Labcorp
Classification: Uncertain significance. Last evaluated: 2022-05-10. Review status: criteria provided, single submitter. Criteria: Invitae Variant Classification Sherloc (09022015). Collection method: clinical testing. Allele origin: germline.
Comment: Algorithms developed to predict the effect of missense changes on protein structure and function output the following: SIFT: "Tolerated"; PolyPhen-2: "Possibly Damaging"; Align-GVGD: "Class C0". The arginine amino acid residue is found in multiple mammalian species, which suggests that this missense change does not adversely affect protein function. This variant has not been reported in the literature in individuals affected with TREM2-related conditions. This variant is not present in population databases (gnomAD no frequency). This sequence change replaces histidine, which is basic and polar, with arginine, which is basic and polar, at codon 67 of the TREM2 protein (p.His67Arg). In summary, the available evidence is currently insufficient to determine the role of this variant in disease. Therefore, it has been classified as a Variant of Uncertain Significance.